The following is an entry in ClinVar:

ClinVar aggregate classification (germline): Uncertain significance (1 of 4 stars; one submission).

Submission:

Labcorp Genetics (formerly Invitae), Labcorp
Classification: Uncertain significance. Last evaluated: 2023-05-08. Review status: criteria provided, single submitter. Criteria: Invitae Variant Classification Sherloc (09022015). Collection method: clinical testing. Allele origin: germline.
Comment: This sequence change falls in intron 16 of the COL2A1 gene. It does not directly change the encoded amino acid sequence of the COL2A1 protein. In summary, the available evidence is currently insufficient to determine the role of this variant in disease. Therefore, it has been classified as a Variant of Uncertain Significance. Algorithms developed to predict the effect of sequence changes on RNA splicing suggest that this variant may create or strengthen a splice site. This variant has not been reported in the literature in individuals affected with COL2A1-related conditions. This variant is not present in population databases (gnomAD no frequency).

NM_001844.5(COL2A1):c.1023+7A>C

Gene: COL2A1 (collagen type II alpha 1 chain; minus strand). Cytogenetic location: 12q13.11.
Variant type: single nucleotide variant.
Coding change: c.1023+7A>C on transcript NM_001844.5 (MANE Select); 7 bases into the intron after coding-DNA position 1023, A replaced by C.
Molecular consequence: intron variant.
Genome position (GRCh38, 1-based): chr12:47,992,871, T>G on the plus strand (A>C on the coding strand, the complement: COL2A1 is on the minus strand). VCF-style: chr12-47992871-T-G. GRCh37 (hg19) VCF-style: chr12-48386654-T-G.
Other names: c.816+7A>C (NM_033150.3).
Identifiers: ClinVar variation 2862693 (VCV002862693.3), dbSNP rs2540165417, ClinGen allele CA2739271947.
Genomic context (GRCh38, chr12:47,992,871, plus strand): 5'-GAGAAACAAACCTGTAAACTCTAAAGTGCTCGGCAAATGGTGGTGTTTGGCTTTGTCAAT[T>G]ACTCACCGCAGCGCCAGCAGGGCCAGTCCGTCCTCTTTCACCAGGCAGGCCACGAGGACC-3'